The following is an entry in ClinVar:

ClinVar aggregate classification (germline): Uncertain significance. Review status: criteria provided, multiple submitters, no conflicts (2 of 4 stars). 5 submissions from 5 submitters: Uncertain significance (5). Last evaluated 2026-08-23.

Conditions:
Inborn genetic diseases. Identifiers: MedGen C0950123, MeSH D030342.
PEX11B-related disorder. Also called: PEX11B-related condition.

Allele frequency attached by ClinVar (database versions not stated): ExAC 0.00003; TOPMed 0.00004; gnomAD 0.00005; gnomAD exomes 0.00007 and 0.00008.
gnomAD v4.1: 119 of 1,613,576 alleles (0.0074%); highest among the groups gnomAD compares: Non-Finnish European, 0.0088%; no homozygotes.

Submissions (5):

PreventionGenetics, part of Exact Sciences
Classification: Uncertain significance for PEX11B-related condition. Last evaluated: 2026-08-23. Review status: criteria provided, single submitter. Criteria: ACMG Guidelines, 2015. Collection method: clinical testing. Allele origin: germline.
Comment: The PEX11B c.596G>A variant is predicted to result in the amino acid substitution p.Arg199Gln. To our knowledge, this variant has not been reported in the literature. This variant is reported in 0.012% of alleles in individuals of African descent in gnomAD. At this time, the clinical significance of this variant is uncertain due to the absence of conclusive functional and genetic evidence.

Ambry Genetics
Classification: Uncertain significance for Inborn genetic diseases. Last evaluated: 2023-10-16. Review status: criteria provided, single submitter. Criteria: Ambry Variant Classification Scheme 2023. Collection method: clinical testing. Allele origin: germline.

Labcorp Genetics (formerly Invitae), Labcorp
Classification: Uncertain significance. Last evaluated: 2022-08-09. Review status: criteria provided, single submitter. Criteria: Invitae Variant Classification Sherloc (09022015). Collection method: clinical testing. Allele origin: germline.
Comment: This sequence change replaces arginine, which is basic and polar, with glutamine, which is neutral and polar, at codon 199 of the PEX11B protein (p.Arg199Gln). This variant is present in population databases (rs782092514, gnomAD 0.01%). This variant has not been reported in the literature in individuals affected with PEX11B-related conditions. ClinVar contains an entry for this variant (Variation ID: 594713). Algorithms developed to predict the effect of missense changes on protein structure and function output the following: SIFT: "Deleterious"; PolyPhen-2: "Benign"; Align-GVGD: "Class C0". The glutamine amino acid residue is found in multiple mammalian species, which suggests that this missense change does not adversely affect protein function. In summary, the available evidence is currently insufficient to determine the role of this variant in disease. Therefore, it has been classified as a Variant of Uncertain Significance.

Eurofins Ntd Llc (ga)
Classification: Uncertain significance. Last evaluated: 2017-10-25. Review status: criteria provided, single submitter. Criteria: EGL Classification Definitions 2015. Collection method: clinical testing. Allele origin: germline. Observed: 2 variant alleles, 2 heterozygotes.

Breakthrough Genomics
Classification: Uncertain significance. Review status: criteria provided, single submitter. Criteria: ACMG Guidelines, 2015. Collection method: not provided. Allele origin: germline. Inheritance: Autosomal recessive inheritance. Affected: yes.

NM_003846.3(PEX11B):c.596G>A (p.Arg199Gln)

Gene: PEX11B (peroxisomal biogenesis factor 11 beta; minus strand). Cytogenetic location: 1q21.1.
Variant type: single nucleotide variant.
Coding change: c.596G>A on transcript NM_003846.3 (MANE Select); coding-DNA position 596, G replaced by A.
Protein change: p.Arg199Gln; replaces arginine 199 with glutamine.
Molecular consequence: missense variant. On other transcripts: non-coding transcript variant (3).
Genome position (GRCh38, 1-based): chr1:145,912,345, C>T on the plus strand (G>A on the coding strand, the complement: PEX11B is on the minus strand). VCF-style: chr1-145912345-C-T. GRCh37 (hg19) VCF-style: chr1-145522735-G-A.
Other names: c.554G>A, p.Arg185Gln (NM_001184795.1); short protein forms R199Q, R185Q.
Identifiers: ClinVar variation 594713 (VCV000594713.14), dbSNP rs782092514, ClinGen allele CA1055636.
Genomic context (GRCh38, chr1:145,912,345, plus strand): 5'-AAGAGATCACAGGCATTTCTGACCACGTCTAGCAGAAGTGGGGGATGACCTCTAAGGACT[C>T]GAGCCAGGAGCAGGACTTGCAGCCGAAGTTTCAGAGCCAGTTGGGGCAGACCTCCTCCTG-3'
Protein context (NP_003837.1, residues 189-209): KLRLQVLLLA[Arg199Gln]VLRGHPPLLL